The following is an entry in ClinVar:

NM_000352.6(ABCC8):c.72C>A (p.Asn24Lys)

Gene: ABCC8 (ATP binding cassette subfamily C member 8; minus strand). Cytogenetic location: 11p15.1.
Variant type: single nucleotide variant.
Coding change: c.72C>A on transcript NM_000352.6 (MANE Select); coding-DNA position 72, C replaced by A.
Protein change: p.Asn24Lys; replaces asparagine 24 with lysine.
Molecular consequence: missense variant. On other transcripts: non-coding transcript variant (1).
Genome position (GRCh38, 1-based): chr11:17,476,705, G>T on the plus strand (C>A on the coding strand, the complement: ABCC8 is on the minus strand). VCF-style: chr11-17476705-G-T. GRCh37 (hg19) VCF-style: chr11-17498252-G-T.
Other names: NM_000352.6(ABCC8):c.72C>A; c.72C>A, p.Asn24Lys (NM_001287174.3, NM_001351295.2, NM_001351296.2 and 1 more transcripts); short protein forms N24K.
Identifiers: ClinVar variation 217847 (VCV000217847.2), dbSNP rs771075821, ClinGen allele CA248475.

ClinVar aggregate classification (germline): Uncertain significance. Review status: criteria provided, single submitter (1 of 4 stars). 2 submissions from 2 submitters: Uncertain significance (1). 1 of the submissions does not count toward it. Last evaluated 2023-08-16.

Conditions:
Congenital isolated hyperinsulinism. Identifiers: Orphanet 657, MedGen CN372705, MONDO:0019010.

Allele frequency attached by ClinVar (database versions not stated): TOPMed 0.00002.
gnomAD v4.1: 2 of 1,611,566 alleles (0.00012%); highest among the groups gnomAD compares: Admixed American, 0.0017%; no homozygotes.

Submissions (2):

Broad Center for Mendelian Genomics, Broad Institute of MIT and Harvard
Classification: Uncertain significance for Congenital isolated hyperinsulinism. Last evaluated: 2023-08-16. Review status: criteria provided, single submitter. Criteria: ACMG Guidelines, 2015. Collection method: curation. Allele origin: germline.
Comment: The p.Asn24Lys variant has been seen in at least 2 siblings, in the compound heterozygous state, with hyperinsulinemic hypoglycemia (PMID: 16969006, 17575084, 25972930), and has been identified in 0.0029% (1/34162) of Latino chromosomes by the Genome Aggregation Database (gnomAD; dbSNP {rs771075821}). Although this variant has been seen in the general population in a heterozygous state, its frequency is low enough to be consistent with a recessive carrier frequency. This variant has also been reported in ClinVar (Variation ID: 217847) and has been interpreted as pathogenic by Genomic Diagnostic Laboratory (Division of Genomic Diagnostics, Children's Hospital of Philadelphia). In vitro functional studies provide some evidence that the p.Asn24Lys variant may impact protein trafficking (PMID: 17575084, 19151370, 20427569, 23744072). However, these types of assays may not accurately represent biological function. Computational prediction tools and conservation analyses suggest that this variant may impact the protein, though this information is not predictive enough to determine pathogenicity. In summary, while there is some suspicion for a pathogenic role, the clinical significance of the p.Asn24Lys variant is uncertain. ACMG/AMP Criteria applied: PS3_supporting, PM2_supporting, PM3_supporting, PP3 (Richards 2015).

Genomic Diagnostic Laboratory, Division of Genomic Diagnostics, Children's Hospital of Philadelphia
Classification: Pathogenic. Last evaluated: 2015-10-27. Review status: no assertion criteria provided. Collection method: clinical testing. Allele origin: germline. Observed: 1 variant allele. Not counted in ClinVar's aggregate classification.
Comment: Clinical Testing

Literature cited by the submitters: PubMed 19151370 (cited by Broad Center for Mendelian Genomics, Broad Institute of MIT and Harvard).